The following is an entry in ClinVar:

ClinVar aggregate classification (germline): Uncertain significance (1 of 4 stars; one submission).

Submission:

GeneDx
Classification: Uncertain significance. Last evaluated: 2022-09-16. Review status: criteria provided, single submitter. Criteria: GeneDx Variant Classification Process June 2021. Collection method: clinical testing. Allele origin: germline. Affected: yes.
Comment: Not observed at significant frequency in large population cohorts (gnomAD); In silico analysis supports that this missense variant does not alter protein structure/function; Has not been previously published as pathogenic or benign to our knowledge

NM_012479.4(YWHAG):c.566C>A (p.Ala189Asp)

Gene: YWHAG (tyrosine 3-monooxygenase/tryptophan 5-monooxygenase activation protein gamma; minus strand). Cytogenetic location: 7q11.23.
Variant type: single nucleotide variant.
Coding change: c.566C>A on transcript NM_012479.4 (MANE Select); coding-DNA position 566, C replaced by A.
Protein change: p.Ala189Asp; replaces alanine 189 with aspartic acid.
Molecular consequence: missense variant.
Genome position (GRCh38, 1-based): chr7:76,329,755, G>T on the plus strand (C>A on the coding strand, the complement: YWHAG is on the minus strand). VCF-style: chr7-76329755-G-T. GRCh37 (hg19) VCF-style: chr7-75959072-G-T.
Other names: short protein forms A189D.
Identifiers: ClinVar variation 2444788 (VCV002444788.1), dbSNP rs1803516177, ClinGen allele CA367776606.
Genomic context (GRCh38, chr7:76,329,755, plus strand): 5'-TCAAGCTCGGCGATGGCGTCGTCGAACGCGGTCTTGGCCAAGTGGCACGCTTGCTCTGGG[G>T]CGTTCTGGATCTCATAGTAGAAGACGGAGTAGTTAAGAGCCAGGCCTAATCGGATGGGGT-3'
Protein context (NP_036611.2, residues 179-199): YSVFYYEIQN[Ala189Asp]PEQACHLAKT